The following is an entry in ClinVar:

ClinVar aggregate classification (germline): Pathogenic. Review status: criteria provided, multiple submitters, no conflicts (2 of 4 stars). 2 submissions from 2 submitters: Pathogenic (2). Last evaluated 2023-08-18.

Conditions:
Hereditary cancer-predisposing syndrome. Also called: Neoplastic Syndromes, Hereditary; Hereditary Cancer Syndrome; Tumor predisposition; Hereditary neoplastic syndrome. Identifiers: Orphanet 140162, MedGen C0027672, MeSH D009386, MONDO:0015356.
Familial cancer of breast. Also called: BREAST CANCER, FAMILIAL; Hereditary breast cancer; hereditary breast carcinoma. Identifiers: Orphanet 227535, MedGen C0346153, MONDO:0016419, OMIM 114480. Disease mechanism: loss of function.

gnomAD v4.1: 4 of 1,597,542 alleles (0.00025%); highest among the groups gnomAD compares: South Asian, 0.0011%; no homozygotes.

Submissions (2):

Ambry Genetics
Classification: Pathogenic for Hereditary cancer-predisposing syndrome. Last evaluated: 2023-08-18. Review status: criteria provided, single submitter. Criteria: Ambry Variant Classification Scheme 2023. Collection method: clinical testing. Allele origin: germline.
Comment: The p.S210* pathogenic mutation (also known as c.629C>A), located in coding exon 4 of the CHEK2 gene, results from a C to A substitution at nucleotide position 629. This changes the amino acid from a serine to a stop codon within coding exon 4. This variant is considered to be rare based on population cohorts in the Genome Aggregation Database (gnomAD). This alteration is expected to result in loss of function by premature protein truncation or nonsense-mediated mRNA decay. As such, this alteration is interpreted as a disease-causing mutation.

Labcorp Genetics (formerly Invitae), Labcorp
Classification: Pathogenic for Familial cancer of breast. Last evaluated: 2022-04-29. Review status: criteria provided, single submitter. Criteria: Invitae Variant Classification Sherloc (09022015). Collection method: clinical testing. Allele origin: germline.
Comment: This variant is not present in population databases (gnomAD no frequency). This sequence change creates a premature translational stop signal (p.Ser210*) in the CHEK2 gene. It is expected to result in an absent or disrupted protein product. Loss-of-function variants in CHEK2 are known to be pathogenic (PMID: 21876083, 24713400). This premature translational stop signal has been observed in individual(s) with breast cancer (PMID: 28724667). Algorithms developed to predict the effect of sequence changes on RNA splicing suggest that this variant may disrupt the consensus splice site. For these reasons, this variant has been classified as Pathogenic.

Literature cited by the submitters: PubMed 21876083 (cited by Labcorp Genetics (formerly Invitae), Labcorp); PubMed 24713400 (cited by Labcorp Genetics (formerly Invitae), Labcorp); PubMed 28724667 (cited by Labcorp Genetics (formerly Invitae), Labcorp).

NM_007194.4(CHEK2):c.629C>A (p.Ser210Ter)

Gene: CHEK2 (checkpoint kinase 2; minus strand). Cytogenetic location: 22q12.1.
Variant type: single nucleotide variant.
Coding change: c.629C>A on transcript NM_007194.4 (MANE Select); coding-DNA position 629, C replaced by A.
Protein change: p.Ser210Ter; replaces serine 210 with a stop codon.
Molecular consequence: nonsense. On other transcripts: 5 prime UTR variant (2), intron variant (1).
Genome position (GRCh38, 1-based): chr22:28,719,449, G>T on the plus strand (C>A on the coding strand, the complement: CHEK2 is on the minus strand). VCF-style: chr22-28719449-G-T. GRCh37 (hg19) VCF-style: chr22-29115437-G-T.
Other names: c.758C>A, p.Ser253Ter (NM_001005735.3, NM_001438294.1); c.-35C>A (NM_001257387.3, NM_001437942.1); c.722C>A, p.Ser241Ter (NM_001438293.1, NM_001438295.1); c.629C>A, p.Ser210Ter (NM_145862.3); c.482+5437C>A (NM_001349956.3); short protein forms S210*, S253*, S241*.
Identifiers: ClinVar variation 2138426 (VCV002138426.6), dbSNP rs767253467, ClinGen allele CA411105054.